The following is an entry in ClinVar:

ClinVar aggregate classification (germline): Likely benign. Review status: criteria provided, multiple submitters, no conflicts (2 of 4 stars). 3 submissions from 3 submitters: Likely benign (3). Last evaluated 2026-03-27.

Conditions:
Cardiovascular phenotype. Identifiers: MedGen CN230736.
Dilated cardiomyopathy 1G (CMD1G). Identifiers: Orphanet 154, MedGen C1858763, MONDO:0011400, OMIM 604145.
Autosomal recessive limb-girdle muscular dystrophy type 2J (LGMDR10). Also called: Limb-girdle muscular dystrophy, type 2J; MUSCULAR DYSTROPHY, LIMB-GIRDLE, AUTOSOMAL RECESSIVE 10. Identifiers: Orphanet 140922, MedGen C1837342, MONDO:0012127, OMIM 608807.

Allele frequency attached by ClinVar (database versions not stated): gnomAD exomes 0.00006; TOPMed 0.00003; gnomAD 0.00003; ExAC 0.00008; ESP Exome Variant Server 0.00025.
gnomAD v4.1: 97 of 1,586,334 alleles (0.0061%); highest among the groups gnomAD compares: Non-Finnish European, 0.0077%; no homozygotes.

Submissions (3):

Molecular Diagnostic Laboratory for Inherited Cardiovascular Disease, Montreal Heart Institute
Classification: Likely benign. Last evaluated: 2026-03-27. Review status: criteria provided, single submitter. Criteria: ACMG Guidelines, 2015. Collection method: clinical testing. Allele origin: germline. Affected: no.
Comment: BP7

Labcorp Genetics (formerly Invitae), Labcorp
Classification: Likely benign for Dilated cardiomyopathy 1G; Autosomal recessive limb-girdle muscular dystrophy type 2J. Last evaluated: 2026-01-20. Review status: criteria provided, single submitter. Criteria: Invitae Variant Classification Sherloc (09022015). Collection method: clinical testing. Allele origin: germline.

Ambry Genetics
Classification: Likely benign for Cardiovascular phenotype. Last evaluated: 2023-07-18. Review status: criteria provided, single submitter. Criteria: Ambry Variant Classification Scheme 2023. Collection method: clinical testing. Allele origin: germline.

NM_001267550.2(TTN):c.96906G>A (p.Val32302=)

Genes: TTN-AS1 (TTN antisense RNA 1; plus strand), TTN (titin; minus strand), LOC126806421 (CDK7 strongly-dependent group 2 enhancer GRCh37_chr2:179407630-179408829; plus strand). Cytogenetic location: 2q31.2.
Variant type: single nucleotide variant.
Coding change: c.96906G>A on transcript NM_001267550.2 (MANE Select); coding-DNA position 96906, G replaced by A.
Protein change: p.Val32302=; no amino-acid change (valine 32302 retained).
Molecular consequence: synonymous variant.
Genome position (GRCh38, 1-based): chr2:178,542,948, C>T on the plus strand (G>A on the coding strand, the complement: TTN is on the minus strand). VCF-style: chr2-178542948-C-T. GRCh37 (hg19) VCF-style: chr2-179407675-C-T.
Other names: c.91983G>A, p.Val30661= (NM_001256850.1); c.69711G>A, p.Val23237= (NM_003319.4); c.89202G>A, p.Val29734= (NM_133378.4); c.70086G>A, p.Val23362= (NM_133432.3); c.70287G>A, p.Val23429= (NM_133437.4).
Identifiers: ClinVar variation 535640 (VCV000535640.15), dbSNP rs200276343, ClinGen allele CA1986666.